The following is an entry in ClinVar:

ClinVar aggregate classification (germline): Uncertain significance (1 of 4 stars; one submission).

Conditions:
Pyogenic arthritis-pyoderma gangrenosum-acne syndrome (PAPA). Also called: PAPA SYNDROME; FAMILIAL RECURRENT ARTHRITIS. Identifiers: Orphanet 69126, MedGen C1858361, MONDO:0011462, OMIM 604416.

Allele frequency attached by ClinVar (database versions not stated): gnomAD exomes 0.00001; gnomAD 0.00002; TOPMed 0.00007; ExAC 0.00008.

Submission:

Labcorp Genetics (formerly Invitae), Labcorp
Classification: Uncertain significance for Pyogenic arthritis-pyoderma gangrenosum-acne syndrome. Last evaluated: 2024-08-21. Review status: criteria provided, single submitter. Criteria: Invitae Variant Classification Sherloc (09022015). Collection method: clinical testing. Allele origin: germline.
Comment: This sequence change replaces serine, which is neutral and polar, with leucine, which is neutral and non-polar, at codon 323 of the PSTPIP1 protein (p.Ser323Leu). The frequency data for this variant in the population databases is considered unreliable, as metrics indicate poor data quality at this position in the gnomAD database. This variant has not been reported in the literature in individuals affected with PSTPIP1-related conditions. ClinVar contains an entry for this variant (Variation ID: 658912). Invitae Evidence Modeling of protein sequence and biophysical properties (such as structural, functional, and spatial information, amino acid conservation, physicochemical variation, residue mobility, and thermodynamic stability) indicates that this missense variant is not expected to disrupt PSTPIP1 protein function with a negative predictive value of 80%. In summary, the available evidence is currently insufficient to determine the role of this variant in disease. Therefore, it has been classified as a Variant of Uncertain Significance.

NM_003978.5(PSTPIP1):c.968C>T (p.Ser323Leu)

Gene: PSTPIP1 (proline-serine-threonine phosphatase interacting protein 1; plus strand). Cytogenetic location: 15q24.3.
Variant type: single nucleotide variant.
Coding change: c.968C>T on transcript NM_003978.5 (MANE Select); coding-DNA position 968, C replaced by T.
Protein change: p.Ser323Leu; replaces serine 323 with leucine.
Molecular consequence: missense variant. On other transcripts: non-coding transcript variant (1).
Genome position (GRCh38, 1-based): chr15:77,035,546, C>T. VCF-style: chr15-77035546-C-T. GRCh37 (hg19) VCF-style: chr15-77327887-C-T.
Other names: c.911C>T, p.Ser304Leu (NM_001321135.2); c.941C>T, p.Ser314Leu (NM_001321136.2); c.1163C>T, p.Ser388Leu (NM_001321137.1); short protein forms S304L, S323L, S314L, S388L.
Identifiers: ClinVar variation 658912 (VCV000658912.8), dbSNP rs765187272, ClinGen allele CA7676097.